The following is an entry in ClinVar:

ClinVar aggregate classification (germline): Pathogenic (1 of 4 stars; one submission).

Conditions:
Ehlers-Danlos syndrome, kyphoscoliotic type 1 (EDSKSCL1). Also called: EHLERS-DANLOS SYNDROME, TYPE VIA; EHLERS-DANLOS SYNDROME, OCULAR-SCOLIOTIC TYPE; Ehlers-Danlos syndrome, hydroxylysine-deficient; PLOD1-Related Kyphoscoliotic Ehlers-Danlos Syndrome. Identifiers: Orphanet 1900, MedGen C0268342, MONDO:0016002, OMIM 225400. Disease mechanism: loss of function.

Submission:

Labcorp Genetics (formerly Invitae), Labcorp
Classification: Pathogenic for Ehlers-Danlos syndrome, kyphoscoliotic type 1. Last evaluated: 2019-12-08. Review status: criteria provided, single submitter. Criteria: Invitae Variant Classification Sherloc (09022015). Collection method: clinical testing. Allele origin: germline.
Comment: For these reasons, this variant has been classified as Pathogenic. Loss-of-function variants in PLOD1 are known to be pathogenic (PMID: 10874315, 21699693). Algorithms developed to predict the effect of sequence changes on RNA splicing suggest that this variant may create or strengthen a splice site, but this prediction has not been confirmed by published transcriptional studies. This variant has not been reported in the literature in individuals with PLOD1-related conditions. This variant is not present in population databases (ExAC no frequency). This sequence change creates a premature translational stop signal (p.Gly591Valfs*13) in the PLOD1 gene. It is expected to result in an absent or disrupted protein product.

Literature cited by the submitters: PubMed 10874315; PubMed 21699693.

NM_000302.4(PLOD1):c.1772del (p.Gly591fs)

Gene: PLOD1 (procollagen-lysine,2-oxoglutarate 5-dioxygenase 1; plus strand). Cytogenetic location: 1p36.22.
Variant type: Deletion.
Coding change: c.1772del on transcript NM_000302.4 (MANE Select); coding-DNA position 1772, one base deleted (G; older notation c.1772delG).
Protein change: p.Gly591fs; shifts the reading frame from glycine 591.
Molecular consequence: frameshift variant.
Genome position (GRCh38, 1-based): chr1:11,970,686, G deleted; the last of 3 consecutive G bases (chr1:11,970,684-11,970,686); deleting any one gives the same sequence. VCF-style (leftmost placement, unchanged base first): chr1-11970683-AG-A. GRCh37 (hg19) VCF-style: chr1-12030740-AG-A.
Other names: c.1913del, p.Gly638fs (NM_001316320.2); short protein forms G638fs, G591fs.
Identifiers: ClinVar variation 843360 (VCV000843360.8), dbSNP rs1645855563, ClinGen allele CA916081996.